The following is an entry in ClinVar:

NM_152743.4(BRAT1):c.2459G>A (p.Cys820Tyr)

Gene: BRAT1 (BRCA1 associated ATM activator 1; minus strand). Cytogenetic location: 7p22.3.
Variant type: single nucleotide variant.
Coding change: c.2459G>A on transcript NM_152743.4 (MANE Select); coding-DNA position 2459, G replaced by A.
Protein change: p.Cys820Tyr; replaces cysteine 820 with tyrosine.
Molecular consequence: missense variant. On other transcripts: non-coding transcript variant (1).
Genome position (GRCh38, 1-based): chr7:2,538,076, C>T on the plus strand (G>A on the coding strand, the complement: BRAT1 is on the minus strand). VCF-style: chr7-2538076-C-T. GRCh37 (hg19) VCF-style: chr7-2577710-C-T.
Other names: c.2639G>A, p.Cys880Tyr (NM_001350626.2); c.1934G>A, p.Cys645Tyr (NM_001350627.2); short protein forms C880Y, C645Y, C820Y.
Identifiers: ClinVar variation 2054299 (VCV002054299.4), dbSNP rs760784792, ClinGen allele CA4127355.

ClinVar aggregate classification (germline): Uncertain significance (1 of 4 stars; one submission).

Conditions:
Neonatal-onset encephalopathy with rigidity and seizures. Also called: Lethal neonatal spasticity-epileptic encephalopathy syndrome. Identifiers: Orphanet 435845, MedGen C3281029, MONDO:0013784, OMIM 614498.

Allele frequency attached by ClinVar (database versions not stated): TOPMed 0.00001; ExAC 0.00001; gnomAD 0.00002.

Submission:

Labcorp Genetics (formerly Invitae), Labcorp
Classification: Uncertain significance for Neonatal-onset encephalopathy with rigidity and seizures. Last evaluated: 2022-03-16. Review status: criteria provided, single submitter. Criteria: Invitae Variant Classification Sherloc (09022015). Collection method: clinical testing. Allele origin: germline.
Comment: The frequency data for this variant in the population databases is considered unreliable, as metrics indicate poor data quality at this position in the gnomAD database. In summary, the available evidence is currently insufficient to determine the role of this variant in disease. Therefore, it has been classified as a Variant of Uncertain Significance. Algorithms developed to predict the effect of missense changes on protein structure and function (SIFT, PolyPhen-2, Align-GVGD) all suggest that this variant is likely to be disruptive. This variant has not been reported in the literature in individuals affected with BRAT1-related conditions. This sequence change replaces cysteine, which is neutral and slightly polar, with tyrosine, which is neutral and polar, at codon 820 of the BRAT1 protein (p.Cys820Tyr).